The following continues an entry in ClinVar:

NM_172107.4(KCNQ2):c.1678C>T (p.Arg560Trp)

Gene: KCNQ2. ClinVar aggregate classification (germline): Pathogenic/Likely pathogenic. Pathogenic (11); Likely pathogenic (1).

Submissions 14 to 21 of 21:

Channelopathy-Associated Epilepsy Research Center
No classification provided (evidence only). Condition: Complex neurodevelopmental disorder. Review status: no classification provided. Collection method: literature only. Allele origin: not applicable. Functional consequence: Severe decrease in peak current, Severe slowing of activation, Mild depolarizing shift of voltage dependence of activation. Not counted in ClinVar's aggregate classification.
ClinVar note: "not provided" was previously submitted as the classification for the variant. However, the classification appeared to be based only on an observation of functional data so it was converted to no classification on 2025-07-30.

Channelopathy-Associated Epilepsy Research Center
No classification provided (evidence only). Review status: no classification provided. Collection method: in vitro. Allele origin: not applicable. Functional consequence: Decrease in peak current. Not counted in ClinVar's aggregate classification.

Channelopathy-Associated Epilepsy Research Center
No classification provided (evidence only). Review status: no classification provided. Collection method: in vitro. Allele origin: not applicable. Functional consequence: Decrease in peak current. Not counted in ClinVar's aggregate classification.

Channelopathy-Associated Epilepsy Research Center
No classification provided (evidence only). Review status: no classification provided. Collection method: in vitro. Allele origin: not applicable. Functional consequence: Normal voltage dependence of activation. Not counted in ClinVar's aggregate classification.

Channelopathy-Associated Epilepsy Research Center
No classification provided (evidence only). Review status: no classification provided. Collection method: in vitro. Allele origin: not applicable. Functional consequence: Normal slope of activation. Not counted in ClinVar's aggregate classification.

Channelopathy-Associated Epilepsy Research Center
No classification provided (evidence only). Review status: no classification provided. Collection method: in vitro. Allele origin: not applicable. Functional consequence: Normal rate of activation. Not counted in ClinVar's aggregate classification.

GeneReviews
No classification provided. Condition: Developmental and epileptic encephalopathy, 7. Review status: no classification provided. Collection method: literature only. Allele origin: germline. Affected: yes. Not counted in ClinVar's aggregate classification.
Comment: EE (epileptic encephalopathy)

Functional effect: Slight rightward shift in current voltage-dependence; no effect on maximal current amplitude

NIHR Bioresource Rare Diseases, University of Cambridge
Classification: Likely pathogenic for Global developmental delay; Absent speech; Limb dystonia. Review status: no assertion criteria provided. Collection method: research. Allele origin: unknown. Affected: yes. Observed: 1 variant allele. Not counted in ClinVar's aggregate classification.

Literature cited by the submitters: PubMed 22275249 (cited by 4 submitters); PubMed 25880994 (cited by 4 submitters); PubMed 24318194 (cited by 3 submitters); PubMed 29760947 (cited by Ambry Genetics); PubMed 31152295 (cited by Ambry Genetics); PubMed 31832524 (cited by Ambry Genetics); PubMed 32139178 (cited by Ambry Genetics); PubMed 32573669 (cited by Ambry Genetics); PubMed 32917465 (cited by Ambry Genetics); PubMed 34711204 (cited by Ambry Genetics); PubMed 25959266 (cited by Victorian Clinical Genetics Services, Murdoch Childrens Research Institute); PubMed 35104249 (cited by Channelopathy-Associated Epilepsy Research Center); PubMed 12754513 (cited by GeneReviews); NCBI Bookshelf NBK32534 (cited by GeneReviews); PubMed 32581362 (cited by NIHR Bioresource Rare Diseases, University of Cambridge).